The following is an entry in ClinVar:

NM_007186.6(CEP250):c.2221_2228dup (p.Val743_Arg744insTer)

Genes: CEP250 (centrosomal protein 250; plus strand), CEP250-AS1 (CEP250 antisense RNA 1; minus strand). Cytogenetic location: 20q11.22.
Variant type: Duplication.
Coding change: c.2221_2228dup on transcript NM_007186.6 (MANE Select); coding-DNA positions 2221 to 2228, 8 bases duplicated (CTAGAGGT; older notation c.2221_2228dupCTAGAGGT).
Protein change: p.Val743_Arg744insTer.
Molecular consequence: nonsense.
Genome position (GRCh38, 1-based): chr20:35,479,357-35,479,364, CTAGAGGT duplicated; duplicating any 8 consecutive bases within chr20:35,479,356-35,479,364 gives the same sequence; the c. name uses the placement nearest the transcript's 3' end. VCF-style (leftmost placement, unchanged base first): chr20-35479355-C-CTCTAGAGG. GRCh37 (hg19) VCF-style: chr20-34067180-C-CTCTAGAGG.
Other names: c.325_332dup, p.Val111_Arg112insTer (NM_001318219.1).
Identifiers: ClinVar variation 3725469 (VCV003725469.2).
Genomic context (GRCh38, chr20:35,479,355, plus strand): 5'-AGGAAGAAGTGCTTGCCAGGGCAGTCCAGGAGAAGGAGGCCCTAGTACGAGAGAAAGCGG[C>CTCTAGAGG]TCTAGAGGTGCGGCTGCAGGCCGTGGAGCGTGACCGGCAGGACCTCGCTGAACAACTACA-3'

ClinVar aggregate classification (germline): Pathogenic (1 of 4 stars; one submission).

Submission:

Labcorp Genetics (formerly Invitae), Labcorp
Classification: Pathogenic. Last evaluated: 2024-11-18. Review status: criteria provided, single submitter. Criteria: Invitae Variant Classification Sherloc (09022015). Collection method: clinical testing. Allele origin: germline.
Comment: This sequence change creates a premature translational stop signal (p.Arg744*) in the CEP250 gene. It is expected to result in an absent or disrupted protein product. Loss-of-function variants in CEP250 are known to be pathogenic (PMID: 24780881, 29718797). This variant is not present in population databases (gnomAD no frequency). This variant has not been reported in the literature in individuals affected with CEP250-related conditions. For these reasons, this variant has been classified as Pathogenic.

Literature cited by the submitters: PubMed 24780881; PubMed 29718797.